The following is an entry in ClinVar:

NM_001142864.4(PIEZO1):c.3559C>T (p.Leu1187=)

Gene: PIEZO1 (piezo type mechanosensitive ion channel component 1 (Er blood group); minus strand). Cytogenetic location: 16q24.3.
Variant type: single nucleotide variant.
Coding change: c.3559C>T on transcript NM_001142864.4 (MANE Select); coding-DNA position 3559, C replaced by T.
Protein change: p.Leu1187=; no amino-acid change (leucine 1187 retained).
Molecular consequence: synonymous variant.
Genome position (GRCh38, 1-based): chr16:88,726,855, G>A on the plus strand (C>T on the coding strand, the complement: PIEZO1 is on the minus strand). VCF-style: chr16-88726855-G-A. GRCh37 (hg19) VCF-style: chr16-88793263-G-A.
Other names: p.Leu1187=.
Identifiers: ClinVar variation 4684143 (VCV004684143.1).

ClinVar aggregate classification (germline): Likely benign (1 of 4 stars; one submission).

gnomAD v4.1: 56 of 1,550,298 alleles (0.0036%); highest among the groups gnomAD compares: Non-Finnish European, 0.0049%; no homozygotes.

Submission:

Mayo Clinic Laboratories, Mayo Clinic
Classification: Likely benign. Last evaluated: 2025-09-22. Review status: criteria provided, single submitter. Criteria: ACMG Guidelines, 2015. Collection method: clinical testing. Allele origin: germline. Observed: 1 variant allele.
Comment: BP4, BP7